The following is an entry in ClinVar:

NM_020070.4(IGLL1):c.385A>G (p.Asn129Asp)

Gene: IGLL1 (immunoglobulin lambda like polypeptide 1; minus strand). Cytogenetic location: 22q11.23.
Variant type: single nucleotide variant.
Coding change: c.385A>G on transcript NM_020070.4 (MANE Select); coding-DNA position 385, A replaced by G.
Protein change: p.Asn129Asp; replaces asparagine 129 with aspartic acid.
Molecular consequence: missense variant. On other transcripts: 3 prime UTR variant (1).
Genome position (GRCh38, 1-based): chr22:23,573,523, T>C on the plus strand (A>G on the coding strand, the complement: IGLL1 is on the minus strand). VCF-style: chr22-23573523-T-C. GRCh37 (hg19) VCF-style: chr22-23915710-T-C.
Other names: c.388A>G, p.Asn130Asp (NM_001369906.1); c.*14A>G (NM_152855.3); short protein forms N129D, N130D.
Identifiers: ClinVar variation 4037853 (VCV004037853.2).

ClinVar aggregate classification (germline): Uncertain significance. Review status: criteria provided, multiple submitters, no conflicts (2 of 4 stars). 2 submissions from 2 submitters: Uncertain significance (2). Last evaluated 2025-12-08.

Conditions:
Agammaglobulinemia 2, autosomal recessive (AGM2). Also called: AGAMMAGLOBULINEMIA, AUTOSOMAL RECESSIVE, DUE TO IGLL1 DEFECT. Identifiers: MedGen C3150750, MONDO:0013287, OMIM 613500.

Submissions (2):

Labcorp Genetics (formerly Invitae), Labcorp
Classification: Uncertain significance for Agammaglobulinemia 2, autosomal recessive. Last evaluated: 2025-12-08. Review status: criteria provided, single submitter. Criteria: Invitae Variant Classification Sherloc (09022015). Collection method: clinical testing. Allele origin: germline.
Comment: This sequence change replaces asparagine, which is neutral and polar, with aspartic acid, which is acidic and polar, at codon 129 of the IGLL1 protein (p.Asn129Asp). This variant is present in population databases (no rsID available, gnomAD 0.004%). This variant has not been reported in the literature in individuals affected with IGLL1-related conditions. ClinVar contains an entry for this variant (Variation ID: 4037853). An algorithm developed to predict the effect of missense changes on protein structure and function outputs the following: PolyPhen-2: "Benign". The aspartic acid amino acid residue is found in multiple mammalian species, which suggests that this missense change does not adversely affect protein function. In summary, the available evidence is currently insufficient to determine the role of this variant in disease. Therefore, it has been classified as a Variant of Uncertain Significance.

Ambry Genetics
Classification: Uncertain significance. Last evaluated: 2025-05-15. Review status: criteria provided, single submitter. Criteria: Ambry Variant Classification Scheme 2023. Collection method: clinical testing. Allele origin: germline.